The following is an entry in ClinVar:

ClinVar aggregate classification (germline): Uncertain significance (1 of 4 stars; one submission).

Conditions:
Early-infantile DEE. Also called: Early infantile epileptic encephalopathy with suppression bursts; Early infantile epileptic encephalopathy; Ohtahara syndrome. Identifiers: Orphanet 1934, MedGen C0393706, MONDO:0800491.

Allele frequency attached by ClinVar (database versions not stated): gnomAD 0.00001; ExAC 0.00004; 1000 Genomes Project 30x 0.00016; 1000 Genomes Project 0.00020.
gnomAD v4.1: 9 of 1,605,086 alleles (0.00056%); highest among the groups gnomAD compares: Middle Eastern, 0.017%; no homozygotes.

Submission:

Labcorp Genetics (formerly Invitae), Labcorp
Classification: Uncertain significance for Early-infantile DEE. Last evaluated: 2026-01-24. Review status: criteria provided, single submitter. Criteria: Invitae Variant Classification Sherloc (09022015). Collection method: clinical testing. Allele origin: germline.
Comment: This sequence change replaces arginine, which is basic and polar, with tryptophan, which is neutral and slightly polar, at codon 1168 of the SCN8A protein (p.Arg1168Trp). The frequency data for this variant in the population databases is considered unreliable, as metrics indicate poor data quality at this position in the gnomAD database. This missense change has been observed in individual(s) with neurodevelopmental disorder (PMID: 33004838). This variant is also known as c.3535C>T (p.Arg1179Trp). ClinVar contains an entry for this variant (Variation ID: 2179554). Invitae Evidence Modeling of protein sequence and biophysical properties (such as structural, functional, and spatial information, amino acid conservation, physicochemical variation, residue mobility, and thermodynamic stability) indicates that this missense variant is not expected to disrupt SCN8A protein function with a negative predictive value of 95%. In summary, the available evidence is currently insufficient to determine the role of this variant in disease. Therefore, it has been classified as a Variant of Uncertain Significance.

Literature cited by the submitters: PubMed 33004838.

NM_001330260.2(SCN8A):c.3502C>T (p.Arg1168Trp)

Gene: SCN8A (sodium voltage-gated channel alpha subunit 8; plus strand). Cytogenetic location: 12q13.13.
Variant type: single nucleotide variant.
Coding change: c.3502C>T on transcript NM_001330260.2 (MANE Select); coding-DNA position 3502, C replaced by T.
Protein change: p.Arg1168Trp; replaces arginine 1168 with tryptophan.
Molecular consequence: missense variant.
Genome position (GRCh38, 1-based): chr12:51,770,540, C>T. VCF-style: chr12-51770540-C-T. GRCh37 (hg19) VCF-style: chr12-52164324-C-T.
Other names: c.3502C>T, p.Arg1168Trp (NM_001177984.3, NM_001369788.1, NM_014191.4); short protein forms R1168W.
Identifiers: ClinVar variation 2179554 (VCV002179554.4), dbSNP rs201042588, ClinGen allele CA6571627.